The following is an entry in ClinVar:

NM_012210.4(TRIM32):c.1387G>C (p.Ala463Pro)

Genes: ASTN2 (astrotactin 2; minus strand), TRIM32 (tripartite motif containing 32; plus strand). Cytogenetic location: 9q33.1.
Variant type: single nucleotide variant.
Coding change: c.1387G>C on transcript NM_012210.4 (MANE Select); coding-DNA position 1387, G replaced by C.
Protein change: p.Ala463Pro; replaces alanine 463 with proline.
Molecular consequence: missense variant. On other transcripts: intron variant (3).
Genome position (GRCh38, 1-based): chr9:116,699,129, G>C. VCF-style: chr9-116699129-G-C. GRCh37 (hg19) VCF-style: chr9-119461408-G-C.
Other names: c.1387G>C, p.Ala463Pro (NM_001099679.2, NM_001379048.1, NM_001379049.1 and 1 more transcripts); c.2653+26642C>G (NM_014010.5); c.2794+26642C>G (NM_001365069.1); c.2806+26642C>G (NM_001365068.1); short protein forms A463P.
Identifiers: ClinVar variation 288435 (VCV000288435.14), dbSNP rs886043897, ClinGen allele CA10606088.

ClinVar aggregate classification (germline): Uncertain significance. Review status: criteria provided, multiple submitters, no conflicts (2 of 4 stars). 3 submissions from 3 submitters: Uncertain significance (3). Last evaluated 2026-04-30.

Conditions:
TRIM32-related disorder. Also called: TRIM32-related condition.
Bardet-Biedl syndrome (BBS). Identifiers: Orphanet 110, MedGen C0752166, MONDO:0015229.

gnomAD v4.1: 6 of 1,614,200 alleles (0.00037%); highest among the groups gnomAD compares: Non-Finnish European, 0.00051%; no homozygotes.

Submissions (3):

PreventionGenetics, part of Exact Sciences
Classification: Uncertain significance for TRIM32-related condition. Last evaluated: 2026-04-30. Review status: criteria provided, single submitter. Criteria: ACMG Guidelines, 2015. Collection method: clinical testing. Allele origin: germline.
Comment: The TRIM32 c.1387G>C variant is predicted to result in the amino acid substitution p.Ala463Pro. To our knowledge, this variant has not been reported in the literature or in a large population database (gnomAD), indicating this variant is rare. At this time, the clinical significance of this variant is uncertain due to the absence of conclusive functional and genetic evidence.

Labcorp Genetics (formerly Invitae), Labcorp
Classification: Uncertain significance for Bardet-Biedl syndrome. Last evaluated: 2023-10-05. Review status: criteria provided, single submitter. Criteria: Invitae Variant Classification Sherloc (09022015). Collection method: clinical testing. Allele origin: germline.
Comment: This sequence change replaces alanine, which is neutral and non-polar, with proline, which is neutral and non-polar, at codon 463 of the TRIM32 protein (p.Ala463Pro). This variant is not present in population databases (gnomAD no frequency). This missense change has been observed in individual(s) with limb-girdle muscular dystrophy (Invitae). In at least one individual the data is consistent with being in trans (on the opposite chromosome) from a pathogenic variant. ClinVar contains an entry for this variant (Variation ID: 288435). An algorithm developed to predict the effect of missense changes on protein structure and function (PolyPhen-2) suggests that this variant is likely to be disruptive. In summary, the available evidence is currently insufficient to determine the role of this variant in disease. Therefore, it has been classified as a Variant of Uncertain Significance.

Eurofins Ntd Llc (ga)
Classification: Uncertain significance. Last evaluated: 2016-06-03. Review status: criteria provided, single submitter. Criteria: EGL Classification Definitions 2015. Collection method: clinical testing. Allele origin: germline. Observed: 1 variant allele, 1 heterozygote.